The following is an entry in ClinVar:

ClinVar aggregate classification (germline): Uncertain significance (1 of 4 stars; one submission).

Conditions:
Hereditary cancer-predisposing syndrome. Also called: Neoplastic Syndromes, Hereditary; Tumor predisposition; Hereditary Cancer Syndrome; Hereditary neoplastic syndrome. Identifiers: Orphanet 140162, MedGen C0027672, MeSH D009386, MONDO:0015356.

gnomAD v4.1: 1 of 1,613,952 alleles (0.000062%); highest among the groups gnomAD compares: Non-Finnish European, 0.000085%; no homozygotes.

Submission:

Ambry Genetics
Classification: Uncertain significance for Hereditary cancer-predisposing syndrome. Last evaluated: 2025-09-25. Review status: criteria provided, single submitter. Criteria: Ambry Variant Classification Scheme 2023. Collection method: clinical testing. Allele origin: germline.
Comment: The p.Q394H variant (also known as c.1182G>C), located in coding exon 9 of the APC gene, results from a G to C substitution at nucleotide position 1182. The glutamine at codon 394 is replaced by histidine, an amino acid with highly similar properties. This amino acid position is highly conserved in available vertebrate species. In addition, in silico predictors for this gene do not accurately predict pathogenicity. Missense alterations in APC are not a common cause of disease (Spier I et al. Genet Med. 2024 Feb;26(2):100992). Based on the available evidence, the clinical significance of this variant remains unclear.

NM_000038.6(APC):c.1182G>C (p.Gln394His)

Gene: APC (APC regulator of Wnt signaling pathway; plus strand). Cytogenetic location: 5q22.2.
Variant type: single nucleotide variant.
Coding change: c.1182G>C on transcript NM_000038.6 (MANE Select); coding-DNA position 1182, G replaced by C.
Protein change: p.Gln394His; replaces glutamine 394 with histidine.
Molecular consequence: missense variant. On other transcripts: non-coding transcript variant (2), intron variant (15).
Genome position (GRCh38, 1-based): chr5:112,819,214, G>C. VCF-style: chr5-112819214-G-C. GRCh37 (hg19) VCF-style: chr5-112154911-G-C.
Other names: c.1182G>C, p.Gln394His (NM_001127510.3, NM_001354895.2, NM_001354896.2 and 4 more transcripts); c.1128G>C, p.Gln376His (NM_001127511.3); c.1212G>C, p.Gln404His (NM_001354897.2, NM_001407446.1); c.1107G>C, p.Gln369His (NM_001354898.2, NM_001407451.1); c.1098G>C, p.Gln366His (NM_001354899.2, NM_001407452.1); c.1005G>C, p.Gln335His (NM_001354900.2, NM_001354901.2, NM_001407453.1); c.333G>C, p.Gln111His (NM_001354906.2, NM_001407470.1); c.85-55G>C (NM_001407472.1, NM_001407471.1); and 5 more; short protein forms Q111H, Q376H, Q366H, Q335H, Q369H, Q404H, Q394H.
Identifiers: ClinVar variation 4578183 (VCV004578183.1).
Genomic context (GRCh38, chr5:112,819,214, plus strand): 5'-GGGCAGTAAAGAGGCTCGGGCCAGGGCCAGTGCAGCACTCCACAACATCATTCACTCACA[G>C]CCTGATGACAAGAGAGGCAGGCGTGAAATCCGAGTCCTTCATCTTTTGGAACAGATACGC-3'
Protein context (NP_000029.2, residues 384-404): SAALHNIIHS[Gln394His]PDDKRGRREI